The following is an entry in ClinVar:

NM_001077365.2(POMT1):c.789_790del (p.Leu263fs)

Gene: POMT1 (protein O-mannosyltransferase 1; plus strand). Cytogenetic location: 9q34.13.
Variant type: Deletion.
Coding change: c.789_790del on transcript NM_001077365.2 (MANE Select); coding-DNA positions 789 to 790, 2 bases deleted (GA; older notation c.789_790delGA).
Protein change: p.Leu263fs; shifts the reading frame from leucine 263.
Molecular consequence: frameshift variant. On other transcripts: non-coding transcript variant (10).
Genome position (GRCh38, 1-based): chr9:131,510,349-131,510,350, GA deleted. VCF-style (leftmost placement, unchanged base first): chr9-131510348-TGA-T. GRCh37 (hg19) VCF-style: chr9-134385735-TGA-T.
Other names: c.333_334del, p.Leu111fs (NM_001353200.2); c.772_773del, p.Asp258fs (NM_001374689.1); c.789_790del, p.Leu263fs (NM_001374690.1, NM_001136113.2); c.438_439del, p.Leu146fs (NM_001374691.1, NM_001374692.1, NM_001136114.2 and 1 more transcripts); c.627_628del, p.Leu209fs (NM_001374693.1, NM_001077366.2, NM_001353194.2); c.855_856del, p.Leu285fs (NM_001353193.2, NM_007171.4); c.699_700del, p.Leu233fs (NM_001353196.2); c.693_694del, p.Leu231fs (NM_001353197.2, NM_001353198.2); and 4 more; short protein forms L231fs, L146fs, L263fs, L285fs, L111fs, L133fs, D258fs, L168fs.
Identifiers: ClinVar variation 2041522 (VCV002041522.5), dbSNP rs2539148178, ClinGen allele CA2580079941.

ClinVar aggregate classification (germline): Pathogenic/Likely pathogenic. Review status: criteria provided, multiple submitters, no conflicts (2 of 4 stars). 2 submissions from 2 submitters: Pathogenic (1); Likely pathogenic (1). Last evaluated 2024-06-12.

Conditions:
Muscular dystrophy-dystroglycanopathy (congenital with impaired intellectual development), type B, 1. Also called: MUSCULAR DYSTROPHY, CONGENITAL, POMT1-RELATED; Muscular dystrophy-dystroglycanopathy (congenital with intellectual disability), type B1. Identifiers: MedGen C5436962, MONDO:0013159, OMIM 613155.
Autosomal recessive limb-girdle muscular dystrophy type 2K. Also called: MUSCULAR DYSTROPHY-DYSTROGLYCANOPATHY (LIMB-GIRDLE), TYPE C, 1; MUSCULAR DYSTROPHY, LIMB-GIRDLE, TYPE 2K. Identifiers: Orphanet 86812, MedGen C1836373, MONDO:0012248, OMIM 609308.
Muscular dystrophy-dystroglycanopathy (congenital with brain and eye anomalies), type A1 (MDDGA1). Also called: Muscular dystrophy-dystroglycanopathy (congenital with brain and eye anomalies), type A, 1; WALKER-WARBURG SYNDROME OR MUSCLE-EYE-BRAIN DISEASE, POMT1-RELATED; Hydrocephalus, agyria and retinal dysplasia; Hard +/- E syndrome; Warburg syndrome; Chemke syndrome. Identifiers: Orphanet 588, Orphanet 899, MedGen C4284790, MONDO:0009364, OMIM 236670.
Walker-Warburg congenital muscular dystrophy. Also called: Muscular dystrophy-dystroglycanopathy, type A; Walker-Warburg syndrome. Identifiers: Orphanet 899, MedGen C0265221, MONDO:0000171.

Submissions (2):

Fulgent Genetics
Classification: Likely pathogenic for Muscular dystrophy-dystroglycanopathy (congenital with brain and eye anomalies), type A1; Autosomal recessive limb-girdle muscular dystrophy type 2K; Muscular dystrophy-dystroglycanopathy (congenital with impaired intellectual development), type B, 1. Last evaluated: 2024-06-12. Review status: criteria provided, single submitter. Criteria: ACMG Guidelines, 2015. Collection method: clinical testing. Allele origin: germline.

Labcorp Genetics (formerly Invitae), Labcorp
Classification: Pathogenic for Muscular dystrophy-dystroglycanopathy (congenital with impaired intellectual development), type B, 1; Walker-Warburg congenital muscular dystrophy; Autosomal recessive limb-girdle muscular dystrophy type 2K. Last evaluated: 2022-03-22. Review status: criteria provided, single submitter. Criteria: Invitae Variant Classification Sherloc (09022015). Collection method: clinical testing. Allele origin: germline.
Comment: For these reasons, this variant has been classified as Pathogenic. Algorithms developed to predict the effect of sequence changes on RNA splicing suggest that this variant may create or strengthen a splice site. This variant has not been reported in the literature in individuals affected with POMT1-related conditions. This variant is not present in population databases (gnomAD no frequency). This sequence change creates a premature translational stop signal (p.Leu285Phefs*68) in the POMT1 gene. It is expected to result in an absent or disrupted protein product. Loss-of-function variants in POMT1 are known to be pathogenic (PMID: 12369018, 15637732, 16575835).

Literature cited by the submitters: PubMed 12369018 (cited by Labcorp Genetics (formerly Invitae), Labcorp); PubMed 15637732 (cited by Labcorp Genetics (formerly Invitae), Labcorp); PubMed 16575835 (cited by Labcorp Genetics (formerly Invitae), Labcorp).